The following is an entry in ClinVar:

NM_001161352.2(KCNMA1):c.15C>T (p.Gly5=)

Gene: KCNMA1 (potassium calcium-activated channel subfamily M alpha 1; minus strand). Cytogenetic location: 10q22.3.
Variant type: single nucleotide variant.
Coding change: c.15C>T on transcript NM_001161352.2 (MANE Select); coding-DNA position 15, C replaced by T.
Protein change: p.Gly5=; no amino-acid change (glycine 5 retained).
Molecular consequence: synonymous variant.
Genome position (GRCh38, 1-based): chr10:77,637,628, G>A on the plus strand (C>T on the coding strand, the complement: KCNMA1 is on the minus strand). VCF-style: chr10-77637628-G-A. GRCh37 (hg19) VCF-style: chr10-79397386-G-A.
Other names: c.15C>T, p.Gly5= (NM_001014797.3, NM_001161353.2, NM_001271518.2 and 12 more transcripts); c.15C>T (NM_002247.3).
Identifiers: ClinVar variation 1650723 (VCV001650723.10), dbSNP rs1273640267, ClinGen allele CA470654707.

ClinVar aggregate classification (germline): Likely benign. Review status: criteria provided, single submitter (1 of 4 stars). 2 submissions from 2 submitters: Likely benign (1). 1 of the submissions does not count toward it. Last evaluated 2024-05-21.

Conditions:
KCNMA1-related disorder. Also called: KCNMA1-related disorders; KCNMA1-related condition.
Generalized epilepsy-paroxysmal dyskinesia syndrome (PNKD3). Also called: Generalized epilepsy and paroxysmal dyskinesia; Paroxysmal nonkinesigenic dyskinesia, 3, with or without generalized epilepsy. Identifiers: Orphanet 79137, MedGen C5574945, MONDO:0012276, OMIM 609446.

Allele frequency attached by ClinVar (database versions not stated): TOPMed below 0.00001; gnomAD 0.00001; gnomAD exomes 0.00001 and 0.00003.
gnomAD v4.1: 9 of 1,520,768 alleles (0.00059%); highest among the groups gnomAD compares: East Asian, 0.0025%; no homozygotes.

Submissions (2):

Labcorp Genetics (formerly Invitae), Labcorp
Classification: Likely benign for Generalized epilepsy-paroxysmal dyskinesia syndrome. Last evaluated: 2024-05-21. Review status: criteria provided, single submitter. Criteria: Invitae Variant Classification Sherloc (09022015). Collection method: clinical testing. Allele origin: germline.

PreventionGenetics, part of Exact Sciences
Classification: Likely benign for KCNMA1-related condition. Last evaluated: 2023-02-09. Review status: no assertion criteria provided. Collection method: clinical testing. Allele origin: germline. Not counted in ClinVar's aggregate classification.
Comment: This variant is classified as likely benign based on ACMG/AMP sequence variant interpretation guidelines (Richards et al. 2015 PMID: 25741868, with internal and published modifications).